The following is an entry in ClinVar:

ClinVar aggregate classification (germline): Uncertain significance. Review status: criteria provided, single submitter (1 of 4 stars). 2 submissions from 2 submitters: Uncertain significance (1). 1 of the submissions does not count toward it. Last evaluated 2026-03-25.

Conditions:
EP300-related disorder. Also called: EP300-related condition; EP300-related disorders.
Inborn genetic diseases. Identifiers: MedGen C0950123, MeSH D030342.

gnomAD v4.1: 8 of 1,614,000 alleles (0.0005%); highest among the groups gnomAD compares: African/African-American, 0.0013%; no homozygotes.

Submissions (2):

Ambry Genetics
Classification: Uncertain significance for Inborn genetic diseases. Last evaluated: 2026-03-25. Review status: criteria provided, single submitter. Criteria: Ambry Variant Classification Scheme 2023. Collection method: clinical testing. Allele origin: germline.
Comment: The c.6817G>A (p.V2273I) alteration is located in exon 31 (coding exon 31) of the EP300 gene. This alteration results from a G to A substitution at nucleotide position 6817, causing the valine (V) at amino acid position 2273 to be replaced by an isoleucine (I). Based on data from gnomAD, the A allele has an overall frequency of 0.001% (2/251326) total alleles studied. The highest observed frequency was 0.016% (1/6140) of Other alleles. Based on insufficient or conflicting evidence, the clinical significance of this alteration remains unclear.

PreventionGenetics, part of Exact Sciences
Classification: Uncertain significance for EP300-related condition. Last evaluated: 2024-04-15. Review status: no assertion criteria provided. Collection method: clinical testing. Allele origin: germline. Not counted in ClinVar's aggregate classification.
Comment: The EP300 c.6817G>A variant is predicted to result in the amino acid substitution p.Val2273Ile. To our knowledge, this variant has not been reported in the literature. This variant is reported in 0.0062% of alleles in individuals of African descent in gnomAD. At this time, the clinical significance of this variant is uncertain due to the absence of conclusive functional and genetic evidence.

NM_001429.4(EP300):c.6817G>A (p.Val2273Ile)

Gene: EP300 (EP300 lysine acetyltransferase; plus strand). Cytogenetic location: 22q13.2.
Variant type: single nucleotide variant.
Coding change: c.6817G>A on transcript NM_001429.4 (MANE Select); coding-DNA position 6817, G replaced by A.
Protein change: p.Val2273Ile; replaces valine 2273 with isoleucine.
Molecular consequence: missense variant.
Genome position (GRCh38, 1-based): chr22:41,178,528, G>A. VCF-style: chr22-41178528-G-A. GRCh37 (hg19) VCF-style: chr22-41574532-G-A.
Other names: c.6739G>A, p.Val2247Ile (NM_001362843.2); short protein forms V2247I, V2273I.
Identifiers: ClinVar variation 3357924 (VCV003357924.2).